The following is an entry in ClinVar:

ClinVar aggregate classification (germline): Uncertain significance (1 of 4 stars; one submission).

Conditions:
Cholestanol storage disease (CTX). Also called: CTX: Cerebrotendinous xanthomatosis; CEREBRAL CHOLESTERINOSIS; Cerebrotendinous Xanthomatosis. Identifiers: Orphanet 909, MedGen C0238052, MONDO:0008948, OMIM 213700.

Allele frequency attached by ClinVar (database versions not stated): gnomAD exomes below 0.00001.
gnomAD v4.1: 1 of 1,614,226 alleles (0.000062%); highest among the groups gnomAD compares: Non-Finnish European, 0.000085%; no homozygotes.

Submission:

Labcorp Genetics (formerly Invitae), Labcorp
Classification: Uncertain significance for Cholestanol storage disease. Last evaluated: 2021-08-30. Review status: criteria provided, single submitter. Criteria: Invitae Variant Classification Sherloc (09022015). Collection method: clinical testing. Allele origin: germline.
Comment: This sequence change replaces leucine with proline at codon 66 of the CYP27A1 protein (p.Leu66Pro). The leucine residue is highly conserved and there is a moderate physicochemical difference between leucine and proline. This variant is not present in population databases (ExAC no frequency). This variant has not been reported in the literature in individuals affected with CYP27A1-related conditions. Advanced modeling of protein sequence and biophysical properties (such as structural, functional, and spatial information, amino acid conservation, physicochemical variation, residue mobility, and thermodynamic stability) performed at Invitae indicates that this missense variant is expected to disrupt CYP27A1 protein function. In summary, the available evidence is currently insufficient to determine the role of this variant in disease. Therefore, it has been classified as a Variant of Uncertain Significance.

NM_000784.4(CYP27A1):c.197T>C (p.Leu66Pro)

Gene: CYP27A1 (cytochrome P450 family 27 subfamily A member 1; plus strand). Cytogenetic location: 2q35.
Variant type: single nucleotide variant.
Coding change: c.197T>C on transcript NM_000784.4 (MANE Select); coding-DNA position 197, T replaced by C.
Protein change: p.Leu66Pro; replaces leucine 66 with proline.
Molecular consequence: missense variant.
Genome position (GRCh38, 1-based): chr2:218,782,379, T>C. VCF-style: chr2-218782379-T-C. GRCh37 (hg19) VCF-style: chr2-219647102-T-C.
Other names: short protein forms L66P.
Identifiers: ClinVar variation 1013937 (VCV001013937.6), dbSNP rs1191317525, ClinGen allele CA350576590.